The following is an entry in ClinVar:

NM_000540.3(RYR1):c.13192G>A (p.Gly4398Arg)

Gene: RYR1 (ryanodine receptor 1; plus strand). Cytogenetic location: 19q13.2.
Variant type: single nucleotide variant.
Coding change: c.13192G>A on transcript NM_000540.3 (MANE Select); coding-DNA position 13192, G replaced by A.
Protein change: p.Gly4398Arg; replaces glycine 4398 with arginine.
Molecular consequence: missense variant.
Genome position (GRCh38, 1-based): chr19:38,565,526, G>A. VCF-style: chr19-38565526-G-A. GRCh37 (hg19) VCF-style: chr19-39056166-G-A.
Other names: c.13177G>A, p.Gly4393Arg (NM_001042723.2); short protein forms G4393R, G4398R.
Identifiers: ClinVar variation 1031613 (VCV001031613.8), dbSNP rs1472582325, ClinGen allele CA405674177.

ClinVar aggregate classification (germline): Uncertain significance. Review status: criteria provided, multiple submitters, no conflicts (2 of 4 stars). 3 submissions from 3 submitters: Uncertain significance (3). Last evaluated 2026-01-11.

Conditions:
RYR1-related disorder. Also called: RYR1-related condition; RYR1-related disorders. Identifiers: MedGen CN239331.
Central core myopathy (CMYO1A). Also called: CONGENITAL MYOPATHY 1A, AUTOSOMAL DOMINANT, WITH SUSCEPTIBILITY TO MALIGNANT HYPERTHERMIA; Central core disease; Myopathy, central fibrillar. Identifiers: Orphanet 597, MedGen C5830701, MONDO:0007294, OMIM 117000.
Inborn genetic diseases. Identifiers: MedGen C0950123, MeSH D030342.

Allele frequency attached by ClinVar (database versions not stated): gnomAD below 0.00001 and 0.00001; TOPMed 0.00001; 1000 Genomes Project 30x 0.00031.

Submissions (3):

Labcorp Genetics (formerly Invitae), Labcorp
Classification: Uncertain significance for RYR1-related disorder. Last evaluated: 2026-01-11. Review status: criteria provided, single submitter. Criteria: Invitae Variant Classification Sherloc (09022015). Collection method: clinical testing. Allele origin: germline.
Comment: This sequence change replaces glycine, which is neutral and non-polar, with arginine, which is basic and polar, at codon 4398 of the RYR1 protein (p.Gly4398Arg). This variant is not present in population databases (gnomAD no frequency). This variant has not been reported in the literature in individuals affected with RYR1-related conditions. ClinVar contains an entry for this variant (Variation ID: 1031613). Invitae Evidence Modeling of protein sequence and biophysical properties (such as structural, functional, and spatial information, amino acid conservation, physicochemical variation, residue mobility, and thermodynamic stability) indicates that this missense variant is not expected to disrupt RYR1 protein function with a negative predictive value of 95%. In summary, the available evidence is currently insufficient to determine the role of this variant in disease. Therefore, it has been classified as a Variant of Uncertain Significance.

Ambry Genetics
Classification: Uncertain significance for Inborn genetic diseases. Last evaluated: 2024-12-31. Review status: criteria provided, single submitter. Criteria: Ambry Variant Classification Scheme 2023. Collection method: clinical testing. Allele origin: germline.

Baylor Genetics
Classification: Uncertain significance for Central core myopathy. Last evaluated: 2018-07-31. Review status: criteria provided, single submitter. Criteria: ACMG Guidelines, 2015. Collection method: clinical testing. Allele origin: maternal. Affected: yes.
Comment: This variant was determined to be of uncertain significance according to ACMG Guidelines, 2015 [PMID:25741868].